The following is an entry in ClinVar:

NM_007294.4(BRCA1):c.3488C>T (p.Thr1163Ile)

Genes: BRCA1 (BRCA1 DNA repair associated; minus strand), LOC126862571 (BRD4-independent group 4 enhancer GRCh37_chr17:41243136-41244335; plus strand). Cytogenetic location: 17q21.31.
Variant type: single nucleotide variant.
Coding change: c.3488C>T on transcript NM_007294.4 (MANE Select); coding-DNA position 3488, C replaced by T.
Protein change: p.Thr1163Ile; replaces threonine 1163 with isoleucine.
Molecular consequence: missense variant. On other transcripts: intron variant (135).
Genome position (GRCh38, 1-based): chr17:43,092,043, G>A on the plus strand (C>T on the coding strand, the complement: BRCA1 is on the minus strand). VCF-style: chr17-43092043-G-A. GRCh37 (hg19) VCF-style: chr17-41244060-G-A.
Other names: c.3275C>T, p.Thr1092Ile (NM_001407571.1, NM_001407853.1, NM_001407894.1 and 9 more transcripts); c.3488C>T, p.Thr1163Ile (NM_001407581.1, NM_001407582.1, NM_001407583.1 and 30 more transcripts); c.3485C>T, p.Thr1162Ile (NM_001407587.1, NM_001407590.1, NM_001407591.1 and 22 more transcripts); c.3479C>T, p.Thr1160Ile (NM_001407646.1, NM_001407647.1); c.3365C>T, p.Thr1122Ile (NM_001407648.1, NM_001407664.1, NM_001407665.1 and 19 more transcripts); c.3362C>T, p.Thr1121Ile (NM_001407649.1, NM_001407670.1, NM_001407671.1 and 11 more transcripts); c.3410C>T, p.Thr1137Ile (NM_001407653.1, NM_001407654.1, NM_001407655.1 and 4 more transcripts); c.3407C>T, p.Thr1136Ile (NM_001407659.1, NM_001407660.1, NM_001407661.1 and 1 more transcripts); and 41 more; short protein forms T1163I, T1116I, T1036I, T1052I, T1095I, T1162I, T867I, T995I.
Identifiers: ClinVar variation 54899 (VCV000054899.6), dbSNP rs80356918, ClinGen allele CA002248.

ClinVar aggregate classification (germline): Conflicting classifications of pathogenicity. Review status: criteria provided, conflicting classifications (1 of 4 stars). 4 submissions from 4 submitters: Uncertain significance (1); Likely benign (1). 2 of the submissions do not count toward it. Last evaluated 2024-04-16.

Conditions:
Hereditary cancer-predisposing syndrome. Also called: Hereditary Cancer Syndrome; Hereditary neoplastic syndrome; Neoplastic Syndromes, Hereditary; Tumor predisposition. Identifiers: Orphanet 140162, MedGen C0027672, MeSH D009386, MONDO:0015356.
Breast-ovarian cancer, familial, susceptibility to, 1 (BROVCA1). Also called: BRCA1 Hereditary Breast and Ovarian Cancer; OVARIAN CANCER, SUSCEPTIBILITY TO. Identifiers: Orphanet 145, MedGen C2676676, MONDO:0011450, OMIM 604370. Disease mechanism: loss of function.

Allele frequency attached by ClinVar (database versions not stated): gnomAD 0.00001; 1000 Genomes Project 30x 0.00016; 1000 Genomes Project 0.00020; gnomAD exomes below 0.00001.
gnomAD v4.1: 1 of 1,614,014 alleles (0.000062%); highest among the groups gnomAD compares: East Asian, 0.0022%; no homozygotes.

Submissions (4):

Color Diagnostics, LLC DBA Color Health
Classification: Uncertain significance for Hereditary cancer-predisposing syndrome. Last evaluated: 2024-04-16. Review status: criteria provided, single submitter. Criteria: ACMG Guidelines, 2015. Collection method: clinical testing. Allele origin: germline.
Comment: This missense variant replaces threonine with isoleucine at codon 1163 of the BRCA1 protein. Computational prediction suggests that this variant may not impact protein structure and function. To our knowledge, functional studies have not been reported for this variant. This variant has been reported in at least three individuals affected breast cancer (PMID: 12402341. 24961674). This variant has been identified in 1/251266 chromosomes in the general population by the Genome Aggregation Database (gnomAD). The available evidence is insufficient to determine the role of this variant in disease conclusively. Therefore, this variant is classified as a Variant of Uncertain Significance.

University of Washington Department of Laboratory Medicine, University of Washington
Classification: Likely benign for Hereditary cancer-predisposing syndrome. Last evaluated: 2023-03-23. Review status: criteria provided, single submitter. Criteria: Dines et al. (Genet Med. 2020). Collection method: curation. Allele origin: germline.
Comment: Missense variant in a coldspot region where missense variants are very unlikely to be pathogenic (PMID:31911673).

BRCA1 coldspot (exon 11 using historical exon numbering). Reclassification based on statistical prior probability

Research Molecular Genetics Laboratory, Women's College Hospital, University of Toronto
Classification: Uncertain significance. Last evaluated: 2014-01-31. Review status: no assertion criteria provided. Collection method: research. Allele origin: germline. Affected: yes. Study: The Canadian Open Genetics Repository (COGR). Not counted in ClinVar's aggregate classification.

Breast Cancer Information Core (BIC) (BRCA1)
Classification: Uncertain significance for Breast-ovarian cancer, familial 1. Last evaluated: 2002-05-29. Review status: no assertion criteria provided. Collection method: clinical testing. Allele origin: germline. Affected: yes. Observed: 1 variant allele. Not counted in ClinVar's aggregate classification.

Literature cited by the submitters: PubMed 24961674 (cited by Color Diagnostics, LLC DBA Color Health).